The following is an entry in ClinVar:

NM_000023.4(SGCA):c.26dup (p.Leu10fs)

Gene: SGCA (sarcoglycan alpha; plus strand). Cytogenetic location: 17q21.33.
Variant type: Duplication.
Coding change: c.26dup on transcript NM_000023.4 (MANE Select); coding-DNA position 26, one base duplicated (C; older notation c.26dupC).
Protein change: p.Leu10fs; shifts the reading frame from leucine 10.
Molecular consequence: frameshift variant. On other transcripts: non-coding transcript variant (1).
Genome position (GRCh38, 1-based): chr17:50,166,066, C duplicated; the last of 2 consecutive C bases (chr17:50,166,065-50,166,066); duplicating either gives the same sequence. VCF-style (leftmost placement, unchanged base first): chr17-50166064-T-TC. GRCh37 (hg19) VCF-style: chr17-48243425-T-TC.
Other names: c.26dup, p.Leu10fs (NM_001135697.3); short protein forms L10fs.
Identifiers: ClinVar variation 843937 (VCV000843937.8), dbSNP rs1904771410, ClinGen allele CA916080841.

ClinVar aggregate classification (germline): Pathogenic (1 of 4 stars; one submission).

Conditions:
Autosomal recessive limb-girdle muscular dystrophy type 2D (LGMDR3). Also called: ADHALINOPATHY, PRIMARY; DUCHENNE-LIKE AUTOSOMAL RECESSIVE MUSCULAR DYSTROPHY, TYPE 2; MUSCULAR DYSTROPHY, LIMB-GIRDLE, AUTOSOMAL RECESSIVE 3. Identifiers: Orphanet 62, MedGen C2936332, MONDO:0011968, OMIM 608099. Disease mechanism: Affects gamma-sarcoglycan and also disrupts the integrity of the entire sarcoglycan complex..

Submission:

Labcorp Genetics (formerly Invitae), Labcorp
Classification: Pathogenic for Autosomal recessive limb-girdle muscular dystrophy type 2D. Last evaluated: 2023-01-06. Review status: criteria provided, single submitter. Criteria: Invitae Variant Classification Sherloc (09022015). Collection method: clinical testing. Allele origin: germline.
Comment: For these reasons, this variant has been classified as Pathogenic. ClinVar contains an entry for this variant (Variation ID: 843937). This variant has not been reported in the literature in individuals affected with SGCA-related conditions. This variant is not present in population databases (gnomAD no frequency). This sequence change creates a premature translational stop signal (p.Leu10Serfs*34) in the SGCA gene. It is expected to result in an absent or disrupted protein product. Loss-of-function variants in SGCA are known to be pathogenic (PMID: 9192266).

Literature cited by the submitters: PubMed 9192266.